The following is an entry in ClinVar:

ClinVar aggregate classification (germline): Uncertain significance. Review status: criteria provided, multiple submitters, no conflicts (2 of 4 stars). 2 submissions from 2 submitters: Uncertain significance (2). Last evaluated 2026-07-01.

Conditions:
TTN-related disorder. Also called: TTN-related condition; TTN-related disease; TTN-related disorders.

Submissions (2):

PreventionGenetics, part of Exact Sciences
Classification: Uncertain significance for TTN-related condition. Last evaluated: 2026-07-01. Review status: criteria provided, single submitter. Criteria: ACMG Guidelines, 2015. Collection method: clinical testing. Allele origin: germline.
Comment: The TTN c.88898C>G variant is predicted to result in the amino acid substitution p.Thr29633Arg. To our knowledge, this variant has not been reported in the literature or in a large population database (gnomAD), indicating this variant is rare. At this time, the clinical significance of this variant is uncertain due to the absence of conclusive functional and genetic evidence.

Revvity Omics, Revvity
Classification: Uncertain significance. Last evaluated: 2020-12-28. Review status: criteria provided, single submitter. Criteria: ACMG Guidelines, 2015. Collection method: clinical testing. Allele origin: germline.

NM_001267550.2(TTN):c.88898C>G (p.Thr29633Arg)

Genes: TTN (titin; minus strand), TTN-AS1 (TTN antisense RNA 1; plus strand). Cytogenetic location: 2q31.2.
Variant type: single nucleotide variant.
Coding change: c.88898C>G on transcript NM_001267550.2 (MANE Select); coding-DNA position 88898, C replaced by G.
Protein change: p.Thr29633Arg; replaces threonine 29633 with arginine.
Molecular consequence: missense variant.
Genome position (GRCh38, 1-based): chr2:178,554,213, G>C on the plus strand (C>G on the coding strand, the complement: TTN is on the minus strand). VCF-style: chr2-178554213-G-C. GRCh37 (hg19) VCF-style: chr2-179418940-G-C.
Other names: c.83975C>G, p.Thr27992Arg (NM_001256850.1); c.61703C>G, p.Thr20568Arg (NM_003319.4); c.81194C>G, p.Thr27065Arg (NM_133378.4); c.62078C>G, p.Thr20693Arg (NM_133432.3); c.62279C>G, p.Thr20760Arg (NM_133437.4); short protein forms T20568R, T20693R, T20760R, T27065R, T27992R, T29633R.
Identifiers: ClinVar variation 2438319 (VCV002438319.5), dbSNP rs374868660, ClinGen allele CA60978799.